The following is an entry in ClinVar:

ClinVar aggregate classification (germline): Uncertain significance (1 of 4 stars; one submission).

Allele frequency attached by ClinVar (database versions not stated): gnomAD exomes 0.00015.
gnomAD v4.1: 18 of 1,505,746 alleles (0.0012%); highest among the groups gnomAD compares: Admixed American, 0.035%; 1 homozygote.

Submission:

Labcorp Genetics (formerly Invitae), Labcorp
Classification: Uncertain significance. Last evaluated: 2022-08-09. Review status: criteria provided, single submitter. Criteria: Invitae Variant Classification Sherloc (09022015). Collection method: clinical testing. Allele origin: germline.
Comment: This sequence change replaces arginine, which is basic and polar, with leucine, which is neutral and non-polar, at codon 5 of the SPEG protein (p.Arg5Leu). This variant is present in population databases (rs576016632, gnomAD 0.07%). This variant has not been reported in the literature in individuals affected with SPEG-related conditions. ClinVar contains an entry for this variant (Variation ID: 1377188). Algorithms developed to predict the effect of missense changes on protein structure and function are either unavailable or do not agree on the potential impact of this missense change (SIFT: "Deleterious"; PolyPhen-2: "Benign"; Align-GVGD: "Class C0"). In summary, the available evidence is currently insufficient to determine the role of this variant in disease. Therefore, it has been classified as a Variant of Uncertain Significance.

NM_005876.5(SPEG):c.14G>T (p.Arg5Leu)

Gene: SPEG (striated muscle enriched protein kinase; plus strand). Cytogenetic location: 2q35.
Variant type: single nucleotide variant.
Coding change: c.14G>T on transcript NM_005876.5 (MANE Select); coding-DNA position 14, G replaced by T.
Protein change: p.Arg5Leu; replaces arginine 5 with leucine.
Molecular consequence: missense variant.
Genome position (GRCh38, 1-based): chr2:219,434,991, G>T. VCF-style: chr2-219434991-G-T. GRCh37 (hg19) VCF-style: chr2-220299713-G-T.
Other names: short protein forms R5L.
Identifiers: ClinVar variation 1377188 (VCV001377188.3), dbSNP rs576016632, ClinGen allele CA2125334.